The following is an entry in ClinVar:

NM_001206927.2(DNAH8):c.797G>C (p.Gly266Ala)

Gene: DNAH8 (dynein axonemal heavy chain 8; plus strand). Cytogenetic location: 6p21.2.
Variant type: single nucleotide variant.
Coding change: c.797G>C on transcript NM_001206927.2 (MANE Select); coding-DNA position 797, G replaced by C.
Protein change: p.Gly266Ala; replaces glycine 266 with alanine.
Molecular consequence: missense variant.
Genome position (GRCh38, 1-based): chr6:38,737,101, G>C. VCF-style: chr6-38737101-G-C. GRCh37 (hg19) VCF-style: chr6-38704877-G-C.
Other names: c.146G>C, p.Gly49Ala (NM_001371.4); short protein forms G266A, G49A.
Identifiers: ClinVar variation 2187641 (VCV002187641.1), dbSNP rs796636840, ClinGen allele CA363986484.

ClinVar aggregate classification (germline): Uncertain significance (1 of 4 stars; one submission).

Conditions:
Primary ciliary dyskinesia. Also called: Ciliary dyskinesia. Identifiers: Orphanet 244, MedGen C0008780, MONDO:0016575, HP:0012265.

Allele frequency attached by ClinVar (database versions not stated): gnomAD 0.00001; gnomAD exomes 0.00006.
gnomAD v4.1: 78 of 1,568,656 alleles (0.005%); highest among the groups gnomAD compares: Non-Finnish European, 0.0067%; no homozygotes.

Submission:

Labcorp Genetics (formerly Invitae), Labcorp
Classification: Uncertain significance for Primary ciliary dyskinesia. Last evaluated: 2022-06-04. Review status: criteria provided, single submitter. Criteria: Invitae Variant Classification Sherloc (09022015). Collection method: clinical testing. Allele origin: germline.
Comment: This sequence change replaces glycine, which is neutral and non-polar, with alanine, which is neutral and non-polar, at codon 266 of the DNAH8 protein (p.Gly266Ala). This variant is present in population databases (no rsID available, gnomAD 0.007%). This variant has not been reported in the literature in individuals affected with DNAH8-related conditions. Algorithms developed to predict the effect of missense changes on protein structure and function are either unavailable or do not agree on the potential impact of this missense change (SIFT: "Deleterious"; PolyPhen-2: "Not Available"; Align-GVGD: "Class C0"). In summary, the available evidence is currently insufficient to determine the role of this variant in disease. Therefore, it has been classified as a Variant of Uncertain Significance.